The following is an entry in ClinVar:

NM_002439.5(MSH3):c.751G>A (p.Glu251Lys)

Gene: MSH3 (mutS homolog 3; plus strand). Cytogenetic location: 5q14.1.
Variant type: single nucleotide variant.
Coding change: c.751G>A on transcript NM_002439.5 (MANE Select); coding-DNA position 751, G replaced by A.
Protein change: p.Glu251Lys; replaces glutamic acid 251 with lysine.
Molecular consequence: missense variant.
Genome position (GRCh38, 1-based): chr5:80,670,268, G>A. VCF-style: chr5-80670268-G-A. GRCh37 (hg19) VCF-style: chr5-79966087-G-A.
Other names: short protein forms E251K.
Identifiers: ClinVar variation 856994 (VCV000856994.10), dbSNP rs1362962336, ClinGen allele CA360266937.

ClinVar aggregate classification (germline): Uncertain significance (1 of 4 stars; one submission).

gnomAD v4.1: 2 of 1,614,128 alleles (0.00012%); highest among the groups gnomAD compares: South Asian, 0.0022%; no homozygotes.

Submission:

Labcorp Genetics (formerly Invitae), Labcorp
Classification: Uncertain significance. Last evaluated: 2019-12-16. Review status: criteria provided, single submitter. Criteria: Invitae Variant Classification Sherloc (09022015). Collection method: clinical testing. Allele origin: germline.
Comment: In summary, the available evidence is currently insufficient to determine the role of this variant in disease. Therefore, it has been classified as a Variant of Uncertain Significance. Algorithms developed to predict the effect of missense changes on protein structure and function are either unavailable or do not agree on the potential impact of this missense change (SIFT: "Tolerated"; PolyPhen-2: "Probably Damaging"; Align-GVGD: "Class C0"). This variant has not been reported in the literature in individuals with MSH3-related conditions. This variant is not present in population databases (ExAC no frequency). This sequence change replaces glutamic acid with lysine at codon 251 of the MSH3 protein (p.Glu251Lys). The glutamic acid residue is highly conserved and there is a small physicochemical difference between glutamic acid and lysine.